The following is an entry in ClinVar:

ClinVar aggregate classification (germline): Uncertain significance (1 of 4 stars; one submission).

Submission:

GeneDx
Classification: Uncertain significance. Last evaluated: 2025-12-14. Review status: criteria provided, single submitter. Criteria: GeneDx Variant Classification Process June 2021. Collection method: clinical testing. Allele origin: germline.
Comment: Not observed at significant frequency in large population cohorts (gnomAD); In silico analysis supports that this missense variant has a deleterious effect on protein structure/function; Has not been previously published as pathogenic or benign to our knowledge; This variant is associated with the following publications: (PMID: 25240749)

NM_001854.4(COL11A1):c.2638G>A (p.Gly880Ser)

Gene: COL11A1 (collagen type XI alpha 1 chain; minus strand). Cytogenetic location: 1p21.1.
Variant type: single nucleotide variant.
Coding change: c.2638G>A on transcript NM_001854.4 (MANE Select); coding-DNA position 2638, G replaced by A.
Protein change: p.Gly880Ser; replaces glycine 880 with serine.
Molecular consequence: missense variant. On other transcripts: non-coding transcript variant (1).
Genome position (GRCh38, 1-based): chr1:102,979,077, C>T on the plus strand (G>A on the coding strand, the complement: COL11A1 is on the minus strand). VCF-style: chr1-102979077-C-T. GRCh37 (hg19) VCF-style: chr1-103444633-C-T.
Other names: c.2290G>A, p.Gly764Ser (NM_001168249.1, NM_080630.4); c.2521G>A, p.Gly841Ser (NM_001190709.2); c.2674G>A, p.Gly892Ser (NM_080629.3); short protein forms G764S, G841S, G880S, G892S.
Identifiers: ClinVar variation 2662216 (VCV002662216.2), dbSNP rs2525112186, ClinGen allele CA341163630.